The following is an entry in ClinVar:

ClinVar aggregate classification (germline): Benign (1 of 4 stars; one submission).

Conditions:
Telangiectasia, hereditary hemorrhagic, type 2 (HHT2). Also called: ACVRL1-Related Hereditary Hemorrhagic Telangiectasia; Telangiectasia, hereditary hemorrhagic, type II. Identifiers: Orphanet 774, MedGen C1838163, MONDO:0010880, OMIM 600376. Disease mechanism: loss of function.

Allele frequency attached by ClinVar (database versions not stated): gnomAD 0.00409; TOPMed 0.00437; 1000 Genomes Project 0.00479; 1000 Genomes Project 30x 0.00656.

Submission:

Illumina Laboratory Services, Illumina
Classification: Benign for Telangiectasia, hereditary hemorrhagic, type 2. Last evaluated: 2018-01-13. Review status: criteria provided, single submitter. Criteria: ICSL Variant Classification Criteria 13 December 2019. Collection method: clinical testing. Allele origin: germline.
Comment: This variant was observed in the ICSL laboratory as part of a predisposition screen in an ostensibly healthy population. It had not been previously curated by ICSL or reported in the Human Gene Mutation Database (HGMD: prior to June 1st, 2018), and was therefore a candidate for classification through an automated scoring system. Utilizing variant allele frequency, disease prevalence and penetrance estimates, and inheritance mode, an automated score was calculated to assess if this variant is too frequent to cause the disease. Based on the score and internal cut-off values, a variant classified as benign is not then subjected to further curation. The score for this variant resulted in a classification of benign for this disease.

NM_000020.3(ACVRL1):c.*992A>G

Gene: ACVRL1 (activin A receptor like type 1; plus strand). Cytogenetic location: 12q13.13.
Variant type: single nucleotide variant.
Coding change: c.*992A>G on transcript NM_000020.3 (MANE Select); 992 bases downstream of the stop codon, A replaced by G.
Molecular consequence: 3 prime UTR variant.
Genome position (GRCh38, 1-based): chr12:51,921,885, A>G. VCF-style: chr12-51921885-A-G. GRCh37 (hg19) VCF-style: chr12-52315669-A-G.
Other names: c.*992A>G (NM_001077401.2).
Identifiers: ClinVar variation 309462 (VCV000309462.5), dbSNP rs567585207, ClinGen allele CA10641812.